The following is an entry in ClinVar:

NM_001044385.3(TMEM237):c.42+77T>G

Gene: TMEM237 (transmembrane protein 237; minus strand). Cytogenetic location: 2q33.1.
Variant type: single nucleotide variant.
Coding change: c.42+77T>G on transcript NM_001044385.3 (MANE Select); 77 bases into the intron after coding-DNA position 42, T replaced by G.
Molecular consequence: intron variant.
Genome position (GRCh38, 1-based): chr2:201,643,282, A>C on the plus strand (T>G on the coding strand, the complement: TMEM237 is on the minus strand). VCF-style: chr2-201643282-A-C. GRCh37 (hg19) VCF-style: chr2-202508005-A-C.
Identifiers: ClinVar variation 675193 (VCV000675193.2), dbSNP rs532683912, ClinGen allele CA63963732.

ClinVar aggregate classification (germline): Likely benign. Review status: criteria provided, multiple submitters, no conflicts (2 of 4 stars). 2 submissions from 2 submitters: Likely benign (2). Last evaluated 2018-06-14.

Allele frequency attached by ClinVar (database versions not stated): 1000 Genomes Project 0.02696; 1000 Genomes Project 30x 0.02904; gnomAD 0.02991 and 0.03068.
gnomAD v4.1: 27,480 of 714,894 alleles (3.8%); highest among the groups gnomAD compares: East Asian, 4.9%; 181 homozygotes.

Submissions (2):

GeneDx
Classification: Likely benign. Last evaluated: 2018-06-14. Review status: criteria provided, single submitter. Criteria: GeneDx Variant Classification (06012015). Collection method: clinical testing. Allele origin: germline. Affected: yes.
Comment: This variant is considered likely benign or benign based on one or more of the following criteria: it is a conservative change, it occurs at a poorly conserved position in the protein, it is predicted to be benign by multiple in silico algorithms, and/or has population frequency not consistent with disease.

Breakthrough Genomics
Classification: Likely benign. Review status: criteria provided, single submitter. Criteria: ACMG Guidelines, 2015. Collection method: not provided. Allele origin: germline. Inheritance: Autosomal recessive inheritance. Affected: yes.